The following is an entry in ClinVar:

ClinVar aggregate classification (germline): Uncertain significance. Review status: criteria provided, multiple submitters, no conflicts (2 of 4 stars). 2 submissions from 2 submitters: Uncertain significance (2). Last evaluated 2025-04-18.

Conditions:
Hereditary nonpolyposis colorectal neoplasms. Identifiers: MedGen C0009405, MeSH D003123.
Hereditary cancer-predisposing syndrome. Also called: Neoplastic Syndromes, Hereditary; Hereditary Cancer Syndrome; Hereditary neoplastic syndrome; Tumor predisposition. Identifiers: Orphanet 140162, MedGen C0027672, MeSH D009386, MONDO:0015356.

Submissions (2):

Ambry Genetics
Classification: Uncertain significance for Hereditary cancer-predisposing syndrome. Last evaluated: 2025-04-18. Review status: criteria provided, single submitter. Criteria: Ambry Variant Classification Scheme 2023. Collection method: clinical testing. Allele origin: germline.
Comment: The p.A98V variant (also known as c.293C>T), located in coding exon 2 of the MSH6 gene, results from a C to T substitution at nucleotide position 293. The alanine at codon 98 is replaced by valine, an amino acid with similar properties. This amino acid position is conserved. In addition, the in silico prediction for this alteration is inconclusive. Based on the available evidence, the clinical significance of this variant remains unclear.

Labcorp Genetics (formerly Invitae), Labcorp
Classification: Uncertain significance for Hereditary nonpolyposis colorectal neoplasms. Last evaluated: 2023-09-08. Review status: criteria provided, single submitter. Criteria: Invitae Variant Classification Sherloc (09022015). Collection method: clinical testing. Allele origin: germline.
Comment: In summary, the available evidence is currently insufficient to determine the role of this variant in disease. Therefore, it has been classified as a Variant of Uncertain Significance. Advanced modeling of protein sequence and biophysical properties (such as structural, functional, and spatial information, amino acid conservation, physicochemical variation, residue mobility, and thermodynamic stability) performed at Invitae indicates that this missense variant is not expected to disrupt MSH6 protein function. This variant has not been reported in the literature in individuals affected with MSH6-related conditions. This variant is not present in population databases (gnomAD no frequency). This sequence change replaces alanine, which is neutral and non-polar, with valine, which is neutral and non-polar, at codon 98 of the MSH6 protein (p.Ala98Val).

NM_000179.3(MSH6):c.293C>T (p.Ala98Val)

Gene: MSH6 (mutS homolog 6; plus strand). Cytogenetic location: 2p16.3.
Variant type: single nucleotide variant.
Coding change: c.293C>T on transcript NM_000179.3 (MANE Select); coding-DNA position 293, C replaced by T.
Protein change: p.Ala98Val; replaces alanine 98 with valine.
Molecular consequence: missense variant. On other transcripts: 5 prime UTR variant (21), non-coding transcript variant (5), intron variant (5).
Genome position (GRCh38, 1-based): chr2:47,790,959, C>T. VCF-style: chr2-47790959-C-T. GRCh37 (hg19) VCF-style: chr2-48018098-C-T.
Other names: c.-444C>T (NM_001281493.2, NM_001406811.1, NM_001406823.1 and 1 more transcripts); c.-610C>T (NM_001281494.2); c.389C>T, p.Ala130Val (NM_001406795.1, NM_001406802.1); c.293C>T, p.Ala98Val (NM_001406796.1, NM_001406798.1, NM_001406800.1 and 6 more transcripts); c.-5C>T (NM_001406797.1, NM_001406801.1, NM_001406805.1 and 10 more transcripts); c.215C>T, p.Ala72Val (NM_001406804.1); c.-636C>T (NM_001406807.1); c.-291C>T (NM_001406812.1); and 6 more; short protein forms A130V, A42V, A98V, A72V.
Identifiers: ClinVar variation 2758979 (VCV002758979.4), dbSNP rs1036107512, ClinGen allele CA46697252.